The following is an entry in ClinVar:

NM_058246.4(DNAJB6):c.518C>T (p.Thr173Ile)

Gene: DNAJB6 (DnaJ heat shock protein family (Hsp40) member B6; plus strand). Cytogenetic location: 7q36.3.
Variant type: single nucleotide variant.
Coding change: c.518C>T on transcript NM_058246.4 (MANE Select); coding-DNA position 518, C replaced by T.
Protein change: p.Thr173Ile; replaces threonine 173 with isoleucine.
Molecular consequence: missense variant. On other transcripts: intron variant (1).
Genome position (GRCh38, 1-based): chr7:157,384,906, C>T. VCF-style: chr7-157384906-C-T. GRCh37 (hg19) VCF-style: chr7-157177600-C-T.
Other names: c.518C>T, p.Thr173Ile (NM_005494.3); c.346+17423C>T (NM_001363676.1); short protein forms T173I.
Identifiers: ClinVar variation 3084401 (VCV003084401.3), dbSNP rs756888390, ClinGen allele CA4590547.

ClinVar aggregate classification (germline): Uncertain significance. Review status: criteria provided, multiple submitters, no conflicts (2 of 4 stars). 2 submissions from 2 submitters: Uncertain significance (2). Last evaluated 2024-08-12.

Conditions:
Autosomal dominant limb-girdle muscular dystrophy type 1D (DNAJB6) (LGMDD1). Also called: MUSCULAR DYSTROPHY, LIMB-GIRDLE, TYPE 1D; Autosomal dominant limb-girdle muscular dystrophy type 1D; Muscular dystrophy, limb-girdle, autosomal dominant 1; MUSCULAR DYSTROPHY, AUTOSOMAL DOMINANT, WITH RIMMED VACUOLES. Identifiers: Orphanet 34516, MedGen C4721885, MONDO:0021018, OMIM 603511.
Inborn genetic diseases. Identifiers: MedGen C0950123, MeSH D030342.

Allele frequency attached by ClinVar (database versions not stated): ExAC 0.00001.

Submissions (2):

Labcorp Genetics (formerly Invitae), Labcorp
Classification: Uncertain significance for Autosomal dominant limb-girdle muscular dystrophy type 1D (DNAJB6). Last evaluated: 2024-08-12. Review status: criteria provided, single submitter. Criteria: Invitae Variant Classification Sherloc (09022015). Collection method: clinical testing. Allele origin: germline.
Comment: This sequence change replaces threonine, which is neutral and polar, with isoleucine, which is neutral and non-polar, at codon 173 of the DNAJB6 protein (p.Thr173Ile). This variant is present in population databases (rs756888390, gnomAD 0.007%). This variant has not been reported in the literature in individuals affected with DNAJB6-related conditions. Advanced modeling of protein sequence and biophysical properties (such as structural, functional, and spatial information, amino acid conservation, physicochemical variation, residue mobility, and thermodynamic stability) has been performed at Invitae for this missense variant, however the output from this modeling did not meet the statistical confidence thresholds required to predict the impact of this variant on DNAJB6 protein function. In summary, the available evidence is currently insufficient to determine the role of this variant in disease. Therefore, it has been classified as a Variant of Uncertain Significance.

Ambry Genetics
Classification: Uncertain significance for Inborn genetic diseases. Last evaluated: 2023-12-22. Review status: criteria provided, single submitter. Criteria: Ambry Variant Classification Scheme 2023. Collection method: clinical testing. Allele origin: germline.